The following is an entry in ClinVar:

ClinVar aggregate classification (germline): Benign (1 of 4 stars; one submission).

Allele frequency attached by ClinVar (database versions not stated): 1000 Genomes Project 0.00339; 1000 Genomes Project 30x 0.00406; ESP Exome Variant Server 0.00557; gnomAD 0.00818; ExAC 0.01310.
gnomAD v4.1: 15,474 of 1,448,452 alleles (1.1%); highest among the groups gnomAD compares: Non-Finnish European, 1.2%; 90 homozygotes.

Submission:

CeGaT Center for Human Genetics Tuebingen
Classification: Benign. Last evaluated: 2024-06-01. Review status: criteria provided, single submitter. Criteria: CeGaT Center For Human Genetics Tuebingen Variant Classification Criteria Version 2. Collection method: clinical testing. Allele origin: germline. Affected: yes. Observed: 4 variant alleles.
Comment: URI1: BP4, BP7, BS1, BS2

NM_003796.3(URI1):c.102C>G (p.Arg34=)

Genes: URI1 (URI1 prefoldin like chaperone; plus strand), LOC130064143 (ATAC-STARR-seq lymphoblastoid silent region 10473; plus strand). Cytogenetic location: 19q12.
Variant type: single nucleotide variant.
Coding change: c.102C>G on transcript NM_003796.3 (MANE Select); coding-DNA position 102, C replaced by G.
Protein change: p.Arg34=; no amino-acid change (arginine 34 retained).
Molecular consequence: synonymous variant. On other transcripts: non-coding transcript variant (1), intron variant (1).
Genome position (GRCh38, 1-based): chr19:29,942,649, C>G. VCF-style: chr19-29942649-C-G. GRCh37 (hg19) VCF-style: chr19-30433556-C-G.
Other names: c.63+18895C>G (NM_001252641.2).
Identifiers: ClinVar variation 2649668 (VCV002649668.24), dbSNP rs200928000, ClinGen allele CA9352518.
Genomic context (GRCh38, chr19:29,942,649, plus strand): 5'-CCCTTCGGCCCCGGCCCCTGCCCTGGTTCCGTTGCGCGCCCCGGATGTGGCGCGGCTGCG[C>G]GAGGAGCAGGAAAAGGTAACTAGCAGCCCCGCGCCGCTTCCGCCTCCGCCCGCCGGGCTG-3'
Protein context (NP_003787.2, residues 24-44): PLRAPDVARL[Arg34=]EEQEKVVTNC